The following is an entry in ClinVar:

ClinVar aggregate classification (germline): Pathogenic (1 of 4 stars; one submission).

Conditions:
Microcephaly, normal intelligence and immunodeficiency (NBS). Also called: Nijmegen breakage syndrome; IMMUNODEFICIENCY, MICROCEPHALY, AND CHROMOSOMAL INSTABILITY; Immunodeficiency, microcephaly with normal intelligence; Microcephaly with normal intelligence immunodeficiency and lymphoreticular malignancies; Nonsyndromal microcephaly autosomal recessive with normal intelligence; Seemanova syndrome 2. Identifiers: Orphanet 647, MedGen C0398791, MONDO:0009623, OMIM 251260.

Submission:

Labcorp Genetics (formerly Invitae), Labcorp
Classification: Pathogenic for Microcephaly, normal intelligence and immunodeficiency. Last evaluated: 2021-10-18. Review status: criteria provided, single submitter. Criteria: Invitae Variant Classification Sherloc (09022015). Collection method: clinical testing. Allele origin: germline.
Comment: This variant has not been reported in the literature in individuals affected with NBN-related conditions. This variant is not present in population databases (gnomAD no frequency). This sequence change creates a premature translational stop signal (p.Gln583Profs*8) in the NBN gene. It is expected to result in an absent or disrupted protein product. Loss-of-function variants in NBN are known to be pathogenic (PMID: 9590180, 16415040). ClinVar contains an entry for this variant (Variation ID: 947685). For these reasons, this variant has been classified as Pathogenic.

Literature cited by the submitters: PubMed 9590180; PubMed 16415040.

NM_002485.5(NBN):c.1747dup (p.Gln583fs)

Gene: NBN (nibrin; minus strand). Cytogenetic location: 8q21.3.
Variant type: Duplication.
Coding change: c.1747dup on transcript NM_002485.5 (MANE Select); coding-DNA position 1747, one base duplicated (C; older notation c.1747dupC).
Protein change: p.Gln583fs; shifts the reading frame from glutamine 583.
Molecular consequence: frameshift variant.
Genome position (GRCh38, 1-based): chr8:89,953,342, G duplicated on the plus strand (C on the coding strand, the reverse complement: NBN is on the minus strand). VCF-style (leftmost placement, unchanged base first): chr8-89953341-T-TG. GRCh37 (hg19) VCF-style: chr8-90965569-T-TG.
Other names: c.1501dup, p.Gln501fs (NM_001024688.3); short protein forms Q583fs, Q501fs.
Identifiers: ClinVar variation 947685 (VCV000947685.7), dbSNP rs1810529464, ClinGen allele CA1139660630.